The following is an entry in ClinVar:

NM_022552.5(DNMT3A):c.1474+1del

Gene: DNMT3A (DNA methyltransferase 3 alpha; minus strand). Cytogenetic location: 2p23.3.
Variant type: Deletion.
Coding change: c.1474+1del on transcript NM_022552.5 (MANE Select); the canonical splice donor site of the intron after coding-DNA position 1474, one base deleted (G; older notation c.1474+1delG).
Molecular consequence: splice donor variant.
Genome position (GRCh38, 1-based): chr2:25,246,019, C deleted on the plus strand (G on the coding strand, the reverse complement: DNMT3A is on the minus strand); the first of 3 consecutive C bases (chr2:25,246,019-25,246,021); deleting any one gives the same sequence. VCF-style (leftmost placement, unchanged base first): chr2-25246018-AC-A. GRCh37 (hg19) VCF-style: chr2-25468887-AC-A.
Other names: c.1474+1del (NM_175629.2); c.907+1del (NM_153759.3); c.1018+1del (NM_001320893.1); c.805+1del (NM_001375819.1); c.1474+1delG (NM_175629.2).
Identifiers: ClinVar variation 4999668 (VCV004999668.1).
Genomic context (GRCh38, chr2:25,246,018, plus strand): 5'-GCCTCTGCTACTCTGCCCCATGCCACACTAGGAGTGCCAGAGTTCCCAGGCAACAAACTT[AC>A]CCTCAATGTTCCGGCACTTCTGCCGCACCTCGTACACCAGCCGCTCTGCAAGGGGAGGAG-3'

ClinVar aggregate classification (germline): Likely pathogenic (1 of 4 stars; one submission).

Conditions:
DNMT3A-related disorder. Also called: DNMT3A-related condition; DNMT3A-related disorders.

Submission:

PreventionGenetics, part of Exact Sciences
Classification: Likely pathogenic for DNMT3A-related condition. Last evaluated: 2025-07-10. Review status: criteria provided, single submitter. Criteria: ACMG Guidelines, 2015. Collection method: clinical testing. Allele origin: germline.
Comment: The DNMT3A c.1474+1delG variant is predicted to result in a deletion affecting a canonical splice site. To our knowledge, this variant has not been reported in the literature or in a large population database (gnomAD), indicating this variant is rare. Canonical splice altering variants in DNMT3A are expected to be pathogenic. This variant is interpreted as likely pathogenic.